The following is an entry in ClinVar:

NM_006361.6(HOXB13):c.610G>T (p.Gly204Trp)

Gene: HOXB13 (homeobox B13; minus strand). Cytogenetic location: 17q21.32.
Variant type: single nucleotide variant.
Coding change: c.610G>T on transcript NM_006361.6 (MANE Select); coding-DNA position 610, G replaced by T.
Protein change: p.Gly204Trp; replaces glycine 204 with tryptophan.
Molecular consequence: missense variant.
Genome position (GRCh38, 1-based): chr17:48,727,035, C>A on the plus strand (G>T on the coding strand, the complement: HOXB13 is on the minus strand). VCF-style: chr17-48727035-C-A. GRCh37 (hg19) VCF-style: chr17-46804397-C-A.
Other names: short protein forms G204W.
Identifiers: ClinVar variation 968889 (VCV000968889.11), dbSNP rs1014715541, ClinGen allele CA400107059.

ClinVar aggregate classification (germline): Uncertain significance. Review status: criteria provided, multiple submitters, no conflicts (2 of 4 stars). 2 submissions from 2 submitters: Uncertain significance (2). Last evaluated 2025-11-30.

Conditions:
Hereditary cancer-predisposing syndrome. Also called: Neoplastic Syndromes, Hereditary; Hereditary Cancer Syndrome; Tumor predisposition; Hereditary neoplastic syndrome. Identifiers: Orphanet 140162, MedGen C0027672, MeSH D009386, MONDO:0015356.

Allele frequency attached by ClinVar (database versions not stated): TOPMed 0.00001.

Submissions (2):

Ambry Genetics
Classification: Uncertain significance for Hereditary cancer-predisposing syndrome. Last evaluated: 2025-11-30. Review status: criteria provided, single submitter. Criteria: Ambry Variant Classification Scheme 2023. Collection method: clinical testing. Allele origin: germline.
Comment: The p.G204W variant (also known as c.610G>T), located in coding exon 2 of the HOXB13 gene, results from a G to T substitution at nucleotide position 610. The glycine at codon 204 is replaced by tryptophan, an amino acid with highly dissimilar properties. This amino acid position is conserved. In addition, this alteration is predicted to be tolerated by in silico analysis. Since supporting evidence is limited at this time, the clinical significance of this alteration remains unclear.

Labcorp Genetics (formerly Invitae), Labcorp
Classification: Uncertain significance. Last evaluated: 2025-07-14. Review status: criteria provided, single submitter. Criteria: Invitae Variant Classification Sherloc (09022015). Collection method: clinical testing. Allele origin: germline.
Comment: This sequence change replaces glycine, which is neutral and non-polar, with tryptophan, which is neutral and slightly polar, at codon 204 of the HOXB13 protein (p.Gly204Trp). This variant is not present in population databases (gnomAD no frequency). This variant has not been reported in the literature in individuals affected with HOXB13-related conditions. ClinVar contains an entry for this variant (Variation ID: 968889). Invitae Evidence Modeling of protein sequence and biophysical properties (such as structural, functional, and spatial information, amino acid conservation, physicochemical variation, residue mobility, and thermodynamic stability) indicates that this missense variant is not expected to disrupt HOXB13 protein function with a negative predictive value of 80%. In summary, the available evidence is currently insufficient to determine the role of this variant in disease. Therefore, it has been classified as a Variant of Uncertain Significance.